The following is an entry in ClinVar:

ClinVar aggregate classification (germline): Uncertain significance (1 of 4 stars; one submission).

Allele frequency attached by ClinVar (database versions not stated): TOPMed below 0.00001; gnomAD 0.00002; gnomAD exomes 0.00002.

Submissions (2):

Labcorp Genetics (formerly Invitae), Labcorp
Classification: Uncertain significance. Last evaluated: 2023-12-14. Review status: criteria provided, single submitter. Criteria: Invitae Variant Classification Sherloc (09022015). Collection method: clinical testing. Allele origin: germline.
Comment: This sequence change affects an acceptor splice site in intron 75 of the HMCN1 gene. It is expected to disrupt RNA splicing. Variants that disrupt the donor or acceptor splice site typically lead to a loss of protein function (PMID: 16199547), however the current clinical and genetic evidence is not sufficient to establish whether loss-of-function variants in HMCN1 cause disease. This variant is present in population databases (rs200619068, gnomAD 0.002%). This variant has not been reported in the literature in individuals affected with HMCN1-related conditions. ClinVar contains an entry for this variant (Variation ID: 2427806). Algorithms developed to predict the effect of sequence changes on RNA splicing suggest that this variant may disrupt the consensus splice site. In summary, the available evidence is currently insufficient to determine the role of this variant in disease. Therefore, it has been classified as a Variant of Uncertain Significance.

Dr. Peter K. Rogan Lab, Western University
No classification provided (evidence only). Condition: Nonpapillary renal cell carcinoma. Review status: no classification provided. Collection method: in vitro. Allele origin: not applicable. Functional consequence: skipped exon, retained intron. Not counted in ClinVar's aggregate classification.

Literature cited by the submitters: PubMed 16199547 (cited by Labcorp Genetics (formerly Invitae), Labcorp).

NM_031935.3(HMCN1):c.11562-1G>A

Gene: HMCN1 (hemicentin 1; plus strand). Cytogenetic location: 1q31.1.
Variant type: single nucleotide variant.
Coding change: c.11562-1G>A on transcript NM_031935.3 (MANE Select); the canonical splice acceptor site of the intron before coding-DNA position 11562, G replaced by A.
Molecular consequence: splice acceptor variant.
Genome position (GRCh38, 1-based): chr1:186,116,993, G>A. VCF-style: chr1-186116993-G-A. GRCh37 (hg19) VCF-style: chr1-186086125-G-A.
Identifiers: ClinVar variation 2427806 (VCV002427806.8), dbSNP rs200619068, ClinGen allele CA33506977.